The following is an entry in ClinVar:

ClinVar aggregate classification (germline): Likely benign (1 of 4 stars; one submission).

Allele frequency attached by ClinVar (database versions not stated): gnomAD exomes 0.00041 and 0.00102; ExAC 0.00129; ESP Exome Variant Server 0.00255; 1000 Genomes Project 0.00419; gnomAD 0.00422 and 0.00457; TOPMed 0.00450; 1000 Genomes Project 30x 0.00484.
gnomAD v4.1: 1,237 of 1,582,652 alleles (0.078%); highest among the groups gnomAD compares: African/African-American, 1.5%; 16 homozygotes.

Submission:

GeneDx
Classification: Likely benign. Last evaluated: 2018-06-16. Review status: criteria provided, single submitter. Criteria: GeneDx Variant Classification (06012015). Collection method: clinical testing. Allele origin: germline. Affected: yes.
Comment: This variant is considered likely benign or benign based on one or more of the following criteria: it is a conservative change, it occurs at a poorly conserved position in the protein, it is predicted to be benign by multiple in silico algorithms, and/or has population frequency not consistent with disease.

NM_003640.5(ELP1):c.3160+47A>T

Gene: ELP1 (elongator acetyltransferase complex subunit 1; minus strand). Cytogenetic location: 9q31.3.
Variant type: single nucleotide variant.
Coding change: c.3160+47A>T on transcript NM_003640.5 (MANE Select); 47 bases into the intron after coding-DNA position 3160, A replaced by T.
Molecular consequence: intron variant.
Genome position (GRCh38, 1-based): chr9:108,891,156, T>A on the plus strand (A>T on the coding strand, the complement: ELP1 is on the minus strand). VCF-style: chr9-108891156-T-A. GRCh37 (hg19) VCF-style: chr9-111653436-T-A.
Other names: c.2818+47A>T (NM_001318360.2); c.2113+47A>T (NM_001330749.2).
Identifiers: ClinVar variation 675722 (VCV000675722.1), dbSNP rs143250122, ClinGen allele CA5174416.